The following is an entry in ClinVar:

NM_000138.5(FBN1):c.3082+1G>A

Gene: FBN1 (fibrillin 1; minus strand). Cytogenetic location: 15q21.1.
Variant type: single nucleotide variant.
Coding change: c.3082+1G>A on transcript NM_000138.5 (MANE Select); the canonical splice donor site of the intron after coding-DNA position 3082, G replaced by A.
Molecular consequence: splice donor variant.
Genome position (GRCh38, 1-based): chr15:48,489,850, C>T on the plus strand (G>A on the coding strand, the complement: FBN1 is on the minus strand). VCF-style: chr15-48489850-C-T. GRCh37 (hg19) VCF-style: chr15-48782047-C-T.
Other names: c.3082+1G>A (NM_001406716.1).
Identifiers: ClinVar variation 1457864 (VCV001457864.10), dbSNP rs886038996, ClinGen allele CA392328842.

ClinVar aggregate classification (germline): Pathogenic (1 of 4 stars; one submission).

Conditions:
Marfan syndrome (MFS). Also called: MARFAN SYNDROME, TYPE I; Marfan syndrome type 1; Marfan's syndrome; Marfan syndrome, classic; FBN1-Related Marfan Syndrome. Identifiers: Orphanet 284963, Orphanet 558, MedGen C0024796, MONDO:0007947, OMIM 154700.
Familial thoracic aortic aneurysm and aortic dissection (TAAD). Also called: Thoracic aortic aneurysms and dissections. Identifiers: Orphanet 91387, MedGen C4707243, MONDO:0019625.

Submission:

Labcorp Genetics (formerly Invitae), Labcorp
Classification: Pathogenic for Marfan syndrome; Familial thoracic aortic aneurysm and aortic dissection. Last evaluated: 2022-04-05. Review status: criteria provided, single submitter. Criteria: Invitae Variant Classification Sherloc (09022015). Collection method: clinical testing. Allele origin: germline.
Comment: This sequence change affects a donor splice site in intron 25 of the FBN1 gene. It is expected to disrupt RNA splicing. Variants that disrupt the donor or acceptor splice site typically lead to a loss of protein function (PMID: 16199547), and loss-of-function variants in FBN1 are known to be pathogenic (PMID: 17657824, 19293843). This variant is not present in population databases (gnomAD no frequency). Disruption of this splice site has been observed in individuals with Marfan syndrome (PMID: 11175294, 31163209). Algorithms developed to predict the effect of sequence changes on RNA splicing suggest that this variant may disrupt the consensus splice site. For these reasons, this variant has been classified as Pathogenic.

Literature cited by the submitters: PubMed 16199547; PubMed 17657824; PubMed 19293843; PubMed 11175294; PubMed 31163209.